The following is an entry in ClinVar:

NM_000208.4(INSR):c.37C>A (p.Pro13Thr)

Gene: INSR (insulin receptor; minus strand). Cytogenetic location: 19p13.2.
Variant type: single nucleotide variant.
Coding change: c.37C>A on transcript NM_000208.4 (MANE Select); coding-DNA position 37, C replaced by A.
Protein change: p.Pro13Thr; replaces proline 13 with threonine.
Molecular consequence: missense variant.
Genome position (GRCh38, 1-based): chr19:7,293,855, G>T on the plus strand (C>A on the coding strand, the complement: INSR is on the minus strand). VCF-style: chr19-7293855-G-T. GRCh37 (hg19) VCF-style: chr19-7293866-G-T.
Other names: c.37C>A, p.Pro13Thr (NM_001079817.3); short protein forms P13T.
Identifiers: ClinVar variation 4525703 (VCV004525703.1).

ClinVar aggregate classification (germline): Uncertain significance (1 of 4 stars; one submission).

Submission:

Women's Health and Genetics/Laboratory Corporation of America, LabCorp
Classification: Uncertain significance. Last evaluated: 2025-07-22. Review status: criteria provided, single submitter. Criteria: LabCorp Variant Classification Summary - May 2015. Collection method: clinical testing. Allele origin: germline.
Comment: Variant summary: INSR c.37C>A (p.Pro13Thr) results in a non-conservative amino acid change in the encoded protein sequence. Algorithms developed to predict the effect of missense changes on protein structure and function are either unavailable or do not agree on the potential impact of this missense change. The variant was absent in 5914 control chromosomes. The available data on variant occurrences in the general population are insufficient to allow any conclusion about variant significance. To our knowledge, no occurrence of c.37C>A in individuals affected with Hyperinsulinemic Hypoglycemia Familial 5 and no experimental evidence demonstrating its impact on protein function have been reported. No submitters have cited clinical-significance assessments for this variant to ClinVar. Based on the evidence outlined above, the variant was classified as uncertain significance.